The following is an entry in ClinVar:

ClinVar aggregate classification (germline): Conflicting classifications of pathogenicity. Review status: criteria provided, conflicting classifications (1 of 4 stars). 8 submissions from 8 submitters: Uncertain significance (6); Likely benign (2). Last evaluated 2026-01-20.

Conditions:
Wilson disease (WND). Also called: Wilson's disease. Identifiers: Orphanet 905, MedGen C0019202, MONDO:0010200, OMIM 277900. Disease mechanism: loss of function.
Inborn genetic diseases. Identifiers: MedGen C0950123, MeSH D030342.

Allele frequency attached by ClinVar (database versions not stated): gnomAD 0.00025; 1000 Genomes Project 30x 0.00047; ESP Exome Variant Server 0.00042; TOPMed 0.00043; 1000 Genomes Project 0.00060.
gnomAD v4.1: 277 of 1,613,758 alleles (0.017%); highest among the groups gnomAD compares: African/African-American, 0.12%; no homozygotes.

Submissions (8):

Labcorp Genetics (formerly Invitae), Labcorp
Classification: Likely benign for Wilson disease. Last evaluated: 2026-01-20. Review status: criteria provided, single submitter. Criteria: Invitae Variant Classification Sherloc (09022015). Collection method: clinical testing. Allele origin: germline.

Dasa
Classification: Uncertain significance. Last evaluated: 2025-09-21. Review status: criteria provided, single submitter. Criteria: DASA Assertion Criteria. Collection method: clinical testing. Allele origin: germline.
Comment: NM_000053.4(ATP7B):c.1291T>C (p.Cys431Arg) is a missense variant that results in the substitution of cysteine with arginine. This variant is rare in population databases. The currently available literature and clinical evidence are not sufficient to establish a definitive association between this variant and the reported condition. Therefore, this variant is classified as a variant of uncertain significance.

Color Diagnostics, LLC DBA Color Health
Classification: Likely benign for Wilson disease. Last evaluated: 2025-06-05. Review status: criteria provided, single submitter. Criteria: ACMG Guidelines, 2015. Collection method: clinical testing. Allele origin: germline.

Ambry Genetics
Classification: Uncertain significance for Inborn genetic diseases. Last evaluated: 2025-03-20. Review status: criteria provided, single submitter. Criteria: Ambry Variant Classification Scheme 2023. Collection method: clinical testing. Allele origin: germline.

GeneDx
Classification: Uncertain significance. Last evaluated: 2025-01-24. Review status: criteria provided, single submitter. Criteria: GeneDx Variant Classification Process June 2021. Collection method: clinical testing. Allele origin: germline. Affected: yes.
Comment: In silico analysis indicates that this missense variant does not alter protein structure/function; Has not been previously published as pathogenic or benign to our knowledge

Fulgent Genetics
Classification: Uncertain significance for Wilson disease. Last evaluated: 2024-05-16. Review status: criteria provided, single submitter. Criteria: ACMG Guidelines, 2015. Collection method: clinical testing. Allele origin: germline.

Genome-Nilou Lab
Classification: Uncertain significance for Wilson disease. Last evaluated: 2021-08-10. Review status: criteria provided, single submitter. Criteria: ACMG Guidelines, 2015. Collection method: clinical testing. Allele origin: germline. Affected: no.

Women's Health and Genetics/Laboratory Corporation of America, LabCorp
Classification: Uncertain significance. Last evaluated: 2017-08-23. Review status: criteria provided, single submitter. Criteria: LabCorp Variant Classification Summary - May 2015. Collection method: clinical testing. Allele origin: germline.
Comment: Variant summary: The ATP7B c.1291T>C (p.Cys431Arg) variant involves the alteration of a non-conserved nucleotide. 3/4 in silico tools predict a benign outcome for this variant (SNPsandGO not captured due to low reliability index). This variant was found in 23/120188 control chromosomes, predominantly observed in the African subpopulation at a frequency of 0.001549 (15/9684). This frequency does not exceed the estimated maximal expected allele frequency of a pathogenic ATP7B variant (0.0054006). The variant of interest has not, to our knowledge, been reported in affected individuals via publications and/or reputable databases/clinical diagnostic laboratories; nor evaluated for functional impact by in vivo/vitro studies. Because of the absence of clinical information and the lack of functional studies, the variant is classified as a "Variant of Uncertain Significance (VUS)," until additional information becomes available.

NM_000053.4(ATP7B):c.1291T>C (p.Cys431Arg)

Gene: ATP7B (ATPase copper transporting beta; minus strand). Cytogenetic location: 13q14.3.
Variant type: single nucleotide variant.
Coding change: c.1291T>C on transcript NM_000053.4 (MANE Select); coding-DNA position 1291, T replaced by C.
Protein change: p.Cys431Arg; replaces cysteine 431 with arginine.
Molecular consequence: missense variant.
Genome position (GRCh38, 1-based): chr13:51,970,744, A>G on the plus strand (T>C on the coding strand, the complement: ATP7B is on the minus strand). VCF-style: chr13-51970744-A-G. GRCh37 (hg19) VCF-style: chr13-52544880-A-G.
Other names: c.1291T>C (NM_000053.3); c.1291T>C, p.Cys431Arg (NM_001005918.3, NM_001330578.2, NM_001330579.2); c.958T>C, p.Cys320Arg (NM_001243182.2); short protein forms C431R, C320R.
Identifiers: ClinVar variation 495399 (VCV000495399.19), dbSNP rs145173864, ClinGen allele CA6989382.
Genomic context (GRCh38, chr13:51,970,744, plus strand): 5'-CATCTGTAGTTTGCACCATGGAATTCCCAGCACTGTGGTTTCCAAGAGGGTTAGTAGAAC[A>G]GCTTTCTAGGATAAAATGTCAGAAAATATTCAAATTAGAAGAGCAAATAATATGTTTTTC-3'
Protein context (NP_000044.2, residues 421-441): GFEASVVSES[Cys431Arg]STNPLGNHSA